The following is an entry in ClinVar:

ClinVar aggregate classification (germline): Likely pathogenic (1 of 4 stars; one submission).

Conditions:
Maple syrup urine disease (MSUD). Identifiers: Orphanet 511, MedGen C0024776, MeSH D008375, MONDO:0009563. Disease mechanism: loss of function.

Submission:

Myriad Genetics, Inc.
Classification: Likely pathogenic for Maple syrup urine disease type 1A. Last evaluated: 2022-03-31. Review status: criteria provided, single submitter. Criteria: Myriad Women's Health Autosomal Recessive and X-Linked Classification Criteria (2021). Collection method: clinical testing. Allele origin: unknown.
Comment: NM_183050.2(BCKDHB):c.163_164delAC(T55Ffs*28) is expected to be pathogenic in the context of maple syrup urine disease type Ib. This variant is predicted to lead to an abnormal or absent protein product due to the creation of a premature termination codon in BCKDHB, a gene where loss-of-function variants are known to be pathogenic. Please note: this variant was assessed in the context of healthy population screening.

NM_183050.4(BCKDHB):c.163_164del (p.Thr55fs)

Gene: BCKDHB (branched chain keto acid dehydrogenase E1 subunit beta; plus strand). Cytogenetic location: 6q14.1.
Variant type: Deletion.
Coding change: c.163_164del on transcript NM_183050.4 (MANE Select); coding-DNA positions 163 to 164, 2 bases deleted (AC; older notation c.163_164delAC).
Protein change: p.Thr55fs; shifts the reading frame from threonine 55.
Molecular consequence: frameshift variant. On other transcripts: non-coding transcript variant (1), intron variant (1).
Genome position (GRCh38, 1-based): chr6:80,106,856-80,106,857, AC deleted. VCF-style (leftmost placement, unchanged base first): chr6-80106855-TAC-T. GRCh37 (hg19) VCF-style: chr6-80816572-TAC-T.
Other names: c.163_164del, p.Thr55fs (NM_000056.5); c.-15+173_-15+174del (NM_001318975.1); short protein forms T55fs.
Identifiers: ClinVar variation 1725761 (VCV001725761.2), dbSNP rs2533314262, ClinGen allele CA2580075914.
Genomic context (GRCh38, chr6:80,106,855, plus strand): 5'-CTTTTTGCACCCCGCCGCGACTGTCGAGGATGCGGCCCAGAGGCGGCAGGTGGCTCATTT[TAC>T]TTTCCAGCCAGATCCGGAGCCCCGGGAGTACGGTGAGCCCTGGGACTGCCCACTCGGTCC-3'